The following is an entry in ClinVar:

ClinVar aggregate classification (germline): Benign. Review status: criteria provided, multiple submitters, no conflicts (2 of 4 stars). 4 submissions from 4 submitters: Benign (3). 1 of the submissions does not count toward it. Last evaluated 2026-02-03.

Conditions:
FAT2-related disorder. Also called: FAT2-related condition.
Spinocerebellar ataxia 45. Identifiers: Orphanet 589527, MedGen C4540400, MONDO:0033480, OMIM 617769.

Allele frequency attached by ClinVar (database versions not stated): 1000 Genomes Project 0.40256; 1000 Genomes Project 30x 0.40443; TOPMed 0.45908; ExAC 0.46219; gnomAD exomes 0.50416 and 0.46145; ESP Exome Variant Server 0.47740.
gnomAD v4.1: 808,138 of 1,613,426 alleles (50%); highest among the groups gnomAD compares: Non-Finnish European, 53%; 206,118 homozygotes.

Submissions (4):

Labcorp Genetics (formerly Invitae), Labcorp
Classification: Benign. Last evaluated: 2026-02-03. Review status: criteria provided, single submitter. Criteria: Invitae Variant Classification Sherloc (09022015). Collection method: clinical testing. Allele origin: germline.

Genome-Nilou Lab
Classification: Benign for Spinocerebellar ataxia 45. Last evaluated: 2021-08-10. Review status: criteria provided, single submitter. Criteria: ACMG Guidelines, 2015. Collection method: clinical testing. Allele origin: germline. Affected: no.

GeneDx
Classification: Benign. Last evaluated: 2021-05-04. Review status: criteria provided, single submitter. Criteria: GeneDx Variant Classification Process June 2021. Collection method: clinical testing. Allele origin: germline. Affected: yes.

PreventionGenetics, part of Exact Sciences
Classification: Benign for FAT2-related condition. Last evaluated: 2019-07-08. Review status: no assertion criteria provided. Collection method: clinical testing. Allele origin: germline. Not counted in ClinVar's aggregate classification.
Comment: This variant is classified as benign based on ACMG/AMP sequence variant interpretation guidelines (Richards et al. 2015 PMID: 25741868, with internal and published modifications).

NM_001447.3(FAT2):c.3010G>A (p.Gly1004Ser)

Gene: FAT2 (FAT atypical cadherin 2; minus strand). Cytogenetic location: 5q33.1.
Variant type: single nucleotide variant.
Coding change: c.3010G>A on transcript NM_001447.3 (MANE Select); coding-DNA position 3010, G replaced by A.
Protein change: p.Gly1004Ser; replaces glycine 1004 with serine.
Molecular consequence: missense variant.
Genome position (GRCh38, 1-based): chr5:151,565,922, C>T on the plus strand (G>A on the coding strand, the complement: FAT2 is on the minus strand). VCF-style: chr5-151565922-C-T. GRCh37 (hg19) VCF-style: chr5-150945483-C-T.
Other names: short protein forms G1004S.
Identifiers: ClinVar variation 1257608 (VCV001257608.10), dbSNP rs3734055, ClinGen allele CA3521945.